The following is an entry in ClinVar:

NM_000540.3(RYR1):c.12625-163G>A

Gene: RYR1 (ryanodine receptor 1; plus strand). Cytogenetic location: 19q13.2.
Variant type: single nucleotide variant.
Coding change: c.12625-163G>A on transcript NM_000540.3 (MANE Select); 163 bases into the intron before coding-DNA position 12625, G replaced by A.
Molecular consequence: intron variant.
Genome position (GRCh38, 1-based): chr19:38,564,796, G>A. VCF-style: chr19-38564796-G-A. GRCh37 (hg19) VCF-style: chr19-39055436-G-A.
Other names: c.12610-163G>A (NM_001042723.2).
Identifiers: ClinVar variation 679823 (VCV000679823.1), dbSNP rs139136652, ClinGen allele CA308108798.

ClinVar aggregate classification (germline): Likely benign (1 of 4 stars; one submission).

Allele frequency attached by ClinVar (database versions not stated): gnomAD 0.00488 and 0.00521; TOPMed 0.00574; 1000 Genomes Project 0.00599; 1000 Genomes Project 30x 0.00671.
gnomAD v4.1: 739 of 152,278 alleles (0.49%); highest among the groups gnomAD compares: African/African-American, 1.7%; 5 homozygotes.

Submission:

GeneDx
Classification: Likely benign. Last evaluated: 2018-06-14. Review status: criteria provided, single submitter. Criteria: GeneDx Variant Classification (06012015). Collection method: clinical testing. Allele origin: germline. Affected: yes.
Comment: This variant is considered likely benign or benign based on one or more of the following criteria: it is a conservative change, it occurs at a poorly conserved position in the protein, it is predicted to be benign by multiple in silico algorithms, and/or has population frequency not consistent with disease.